The following is an entry in ClinVar:

ClinVar aggregate classification (germline): Likely benign (0 of 4 stars; one submission).

Conditions:
H3-3A-related disorder. Also called: H3-3A-related condition.

Allele frequency attached by ClinVar (database versions not stated): gnomAD exomes 0.00002; ExAC 0.00003; TOPMed 0.00004; gnomAD 0.00005; ESP Exome Variant Server 0.00008.
gnomAD v4.1: 37 of 1,605,700 alleles (0.0023%); highest among the groups gnomAD compares: African/African-American, 0.0054%; no homozygotes.

Submission:

PreventionGenetics, part of Exact Sciences
Classification: Likely benign for H3-3A-related condition. Last evaluated: 2021-03-30. Review status: no assertion criteria provided. Collection method: clinical testing. Allele origin: germline.
Comment: This variant is classified as likely benign based on ACMG/AMP sequence variant interpretation guidelines (Richards et al. 2015 PMID: 25741868, with internal and published modifications).

NM_002107.7(H3-3A):c.283-3C>T

Gene: H3-3A (H3.3 histone A; plus strand). Cytogenetic location: 1q42.12.
Variant type: single nucleotide variant.
Coding change: c.283-3C>T on transcript NM_002107.7 (MANE Select); 3 bases into the intron before coding-DNA position 283, C replaced by T.
Molecular consequence: intron variant.
Genome position (GRCh38, 1-based): chr1:226,071,348, C>T. VCF-style: chr1-226071348-C-T. GRCh37 (hg19) VCF-style: chr1-226259049-C-T.
Other names: c.283-3C>T (NM_001379043.1, NM_001379046.1, NM_001379045.1 and 1 more transcripts).
Identifiers: ClinVar variation 3054223 (VCV003054223.2), dbSNP rs374324778, ClinGen allele CA1421208.